The following is an entry in ClinVar:

ClinVar aggregate classification (germline): Uncertain significance (1 of 4 stars; one submission).

Allele frequency attached by ClinVar (database versions not stated): gnomAD exomes 0.00012 and 0.00009; gnomAD 0.00018 and 0.00019; TOPMed 0.00033; ExAC 0.00006.
gnomAD v4.1: 120 of 1,176,931 alleles (0.01%); highest among the groups gnomAD compares: Admixed American, 0.076%; no homozygotes.

Submission:

Labcorp Genetics (formerly Invitae), Labcorp
Classification: Uncertain significance. Last evaluated: 2024-10-15. Review status: criteria provided, single submitter. Criteria: Invitae Variant Classification Sherloc (09022015). Collection method: clinical testing. Allele origin: germline.
Comment: This sequence change replaces arginine, which is basic and polar, with glutamine, which is neutral and polar, at codon 797 of the DRP2 protein (p.Arg797Gln). This variant also falls at the last nucleotide of exon 21, which is part of the consensus splice site for this exon. This variant is present in population databases (rs780525649, gnomAD 0.05%), and has an allele count higher than expected for a pathogenic variant. This variant has not been reported in the literature in individuals affected with DRP2-related conditions. ClinVar contains an entry for this variant (Variation ID: 1347462). An algorithm developed to predict the effect of missense changes on protein structure and function (PolyPhen-2) suggests that this variant is likely to be disruptive. Variants that disrupt the consensus splice site are a relatively common cause of aberrant splicing (PMID: 17576681, 9536098). Algorithms developed to predict the effect of sequence changes on RNA splicing suggest that this variant may disrupt the consensus splice site. In summary, the available evidence is currently insufficient to determine the role of this variant in disease. Therefore, it has been classified as a Variant of Uncertain Significance.

Literature cited by the submitters: PubMed 17576681; PubMed 9536098.

NM_001939.3(DRP2):c.2390G>A (p.Arg797Gln)

Gene: DRP2 (dystrophin related protein 2; plus strand). Cytogenetic location: Xq22.1.
Variant type: single nucleotide variant.
Coding change: c.2390G>A on transcript NM_001939.3 (MANE Select); coding-DNA position 2390, G replaced by A.
Protein change: p.Arg797Gln; replaces arginine 797 with glutamine.
Molecular consequence: missense variant.
Genome position (GRCh38, 1-based): chrX:101,256,261, G>A. VCF-style: chrX-101256261-G-A. GRCh37 (hg19) VCF-style: chrX-100511250-G-A.
Other names: c.2156G>A, p.Arg719Gln (NM_001171184.2); short protein forms R719Q, R797Q.
Identifiers: ClinVar variation 1347462 (VCV001347462.6), dbSNP rs780525649, ClinGen allele CA10472465.